The following is an entry in ClinVar:

ClinVar aggregate classification (germline): Uncertain significance. Review status: criteria provided, multiple submitters, no conflicts (2 of 4 stars). 2 submissions from 2 submitters: Uncertain significance (2). Last evaluated 2022-12-05.

Conditions:
Chromosome 2q32-q33 deletion syndrome (GLASS). Also called: Glass syndrome; 2q33.1 deletion syndrome. Identifiers: Orphanet 251019, MedGen C2676739, MONDO:0012864, OMIM 612313.

Submissions (2):

GeneDx
Classification: Uncertain significance. Last evaluated: 2022-12-05. Review status: criteria provided, single submitter. Criteria: GeneDx Variant Classification Process June 2021. Collection method: clinical testing. Allele origin: germline. Affected: yes.
Comment: Not observed at significant frequency in large population cohorts (gnomAD); In silico analysis supports that this missense variant does not alter protein structure/function; Has not been previously published as pathogenic or benign to our knowledge

Labcorp Genetics (formerly Invitae), Labcorp
Classification: Uncertain significance for Chromosome 2q32-q33 deletion syndrome. Last evaluated: 2022-01-05. Review status: criteria provided, single submitter. Criteria: Invitae Variant Classification Sherloc (09022015). Collection method: clinical testing. Allele origin: germline.
Comment: This sequence change replaces valine, which is neutral and non-polar, with phenylalanine, which is neutral and non-polar, at codon 23 of the SATB2 protein (p.Val23Phe). Advanced modeling of protein sequence and biophysical properties (such as structural, functional, and spatial information, amino acid conservation, physicochemical variation, residue mobility, and thermodynamic stability) performed at Invitae indicates that this missense variant is not expected to disrupt SATB2 protein function. In summary, the available evidence is currently insufficient to determine the role of this variant in disease. Therefore, it has been classified as a Variant of Uncertain Significance. This variant has not been reported in the literature in individuals affected with SATB2-related conditions. This variant is not present in population databases (gnomAD no frequency).

NM_001172509.2(SATB2):c.67G>T (p.Val23Phe)

Gene: SATB2 (SATB homeobox 2; minus strand). Cytogenetic location: 2q33.1.
Variant type: single nucleotide variant.
Coding change: c.67G>T on transcript NM_001172509.2 (MANE Select); coding-DNA position 67, G replaced by T.
Protein change: p.Val23Phe; replaces valine 23 with phenylalanine.
Molecular consequence: missense variant. On other transcripts: non-coding transcript variant (1).
Genome position (GRCh38, 1-based): chr2:199,455,971, C>A on the plus strand (G>T on the coding strand, the complement: SATB2 is on the minus strand). VCF-style: chr2-199455971-C-A. GRCh37 (hg19) VCF-style: chr2-200320694-C-A.
Other names: c.67G>T, p.Val23Phe (NM_001172517.1, NM_015265.4); c.67G>T (NM_015265.3); short protein forms V23F.
Identifiers: ClinVar variation 1961587 (VCV001961587.6), dbSNP rs2469069862, ClinGen allele CA350388555.
Genomic context (GRCh38, chr2:199,455,971, plus strand): 5'-CTCCCATGGGGCTGCCGTTCTGCTCCAGCCGGGCCACCTTCACTGGGGGAGGCCCCTTGA[C>A]GTCCGGGCTGCCGCTCCGCCGGTCGGGGCTGTCCCGCAGACACGGGCTCTCGCTCCGCCG-3'
Protein context (NP_001165980.1, residues 13-33): SPDRRSGSPD[Val23Phe]KGPPPVKVAR